The following is an entry in ClinVar:

ClinVar aggregate classification (germline): Likely benign (1 of 4 stars; one submission).

gnomAD v4.1: 8 of 1,613,928 alleles (0.0005%); highest among the groups gnomAD compares: East Asian, 0.016%; no homozygotes.

Submission:

CeGaT Center for Human Genetics Tuebingen
Classification: Likely benign. Last evaluated: 2026-04-01. Review status: criteria provided, single submitter. Criteria: CeGaT Center For Human Genetics Tuebingen Variant Classification Criteria Version 2. Collection method: clinical testing. Allele origin: germline. Affected: yes. Observed: 1 variant allele.
Comment: IKBIP: BP4, BP7

NM_201613.4(IKBIP):c.*113G>A

Gene: IKBIP (IKBKB interacting protein; minus strand). Cytogenetic location: 12q23.1.
Variant type: single nucleotide variant.
Coding change: c.*113G>A on transcript NM_201613.4; 113 bases downstream of the stop codon, G replaced by A.
Molecular consequence: 3 prime UTR variant. On other transcripts: synonymous variant (1).
Genome position (GRCh38, 1-based): chr12:98,614,194, C>T on the plus strand (G>A on the coding strand, the complement: IKBIP is on the minus strand). VCF-style: chr12-98614194-C-T. GRCh37 (hg19) VCF-style: chr12-99007972-C-T.
Other names: c.444G>A, p.Thr148= (NM_201612.4).
Identifiers: ClinVar variation 4873270 (VCV004873270.2).
Genomic context (GRCh38, chr12:98,614,194, plus strand): 5'-AACATCTTTTGCCATGGAAGTTGTACTTTGGTCTACTTTTGTAATGTCTTGAGAAAGCGT[C>T]GTCAGACTGTTGTTCAGTATATCCTGTTTTTCAGTTATCCTATTGGACCAAGTTTTTACC-3'